The following is an entry in ClinVar:

NM_207308.3(NUP210L):c.2063G>A (p.Arg688Gln)

Gene: NUP210L (nucleoporin 210 like; minus strand). Cytogenetic location: 1q21.3.
Variant type: single nucleotide variant.
Coding change: c.2063G>A on transcript NM_207308.3 (MANE Select); coding-DNA position 2063, G replaced by A.
Protein change: p.Arg688Gln; replaces arginine 688 with glutamine.
Molecular consequence: missense variant.
Genome position (GRCh38, 1-based): chr1:154,095,059, C>T on the plus strand (G>A on the coding strand, the complement: NUP210L is on the minus strand). VCF-style: chr1-154095059-C-T. GRCh37 (hg19) VCF-style: chr1-154067535-C-T.
Other names: c.2063G>A, p.Arg688Gln (NM_001159484.1); short protein forms R688Q.
Identifiers: ClinVar variation 2511288 (VCV002511288.3), dbSNP rs528494343, ClinGen allele CA1124867.

ClinVar aggregate classification (germline): Uncertain significance (1 of 4 stars; one submission).

Allele frequency attached by ClinVar (database versions not stated): ExAC 0.00002; gnomAD exomes 0.00002; gnomAD 0.00008.
gnomAD v4.1: 45 of 1,614,106 alleles (0.0028%); highest among the groups gnomAD compares: East Asian, 0.0089%; no homozygotes.

Submission:

Ambry Genetics
Classification: Uncertain significance. Last evaluated: 2026-01-05. Review status: criteria provided, single submitter. Criteria: Ambry Variant Classification Scheme 2023. Collection method: clinical testing. Allele origin: germline.
Comment: The c.2063G>A (p.R688Q) alteration is located in exon 15 (coding exon 15) of the NUP210L gene. This alteration results from a G to A substitution at nucleotide position 2063, causing the arginine (R) at amino acid position 688 to be replaced by a glutamine (Q). Based on data from gnomAD, the A allele has an overall frequency of 0.004% (9/249472) total alleles studied. The highest observed frequency was 0.013% (2/15474) of African alleles. Based on insufficient or conflicting evidence, the clinical significance of this alteration remains unclear.